The following is an entry in ClinVar:

ClinVar aggregate classification (germline): Benign. Review status: reviewed by expert panel (3 of 4 stars). 20 submissions from 19 submitters: Benign (1). 19 of the submissions do not count toward it. Last evaluated 2015-08-10.

Conditions:
Fanconi anemia, complementation group S (FANCS). Identifiers: MedGen C4554406, MONDO:0054748, OMIM 617883.
Breast-ovarian cancer, familial, susceptibility to, 1 (BROVCA1). Also called: BRCA1 Hereditary Breast and Ovarian Cancer; OVARIAN CANCER, SUSCEPTIBILITY TO. Identifiers: Orphanet 145, MedGen C2676676, MONDO:0011450, OMIM 604370. Disease mechanism: loss of function.
Familial cancer of breast. Also called: BREAST CANCER, FAMILIAL; hereditary breast carcinoma; Hereditary breast cancer. Identifiers: Orphanet 227535, MedGen C0346153, MONDO:0016419, OMIM 114480. Disease mechanism: loss of function.
Hereditary cancer-predisposing syndrome. Also called: Hereditary Cancer Syndrome; Tumor predisposition; Neoplastic Syndromes, Hereditary; Hereditary neoplastic syndrome. Identifiers: Orphanet 140162, MedGen C0027672, MeSH D009386, MONDO:0015356.
Ovarian cancer. Also called: OVARIAN CANCER, SOMATIC. Identifiers: Orphanet 213500, MedGen C1140680, MONDO:0008170, OMIM 167000.
Hereditary breast ovarian cancer syndrome. Also called: Breast and ovarian cancer; BRCA1- and BRCA2-Associated Hereditary Breast and Ovarian Cancer; Hereditary breast and ovarian cancer; Hereditary breast and ovarian cancer syndrome (HBOC); Hereditary breast and ovarian cancer syndrome; Hereditary breast and/or ovarian cancer syndrome. Identifiers: Orphanet 145, MedGen C0677776, MeSH D061325, MONDO:0003582. Disease mechanism: loss of function.
Malignant tumor of breast. Also called: Malignant breast neoplasm; Cancer breast. Identifiers: MedGen C0006142, MONDO:0007254. Disease mechanism: loss of function.

Allele frequency attached by ClinVar (database versions not stated): gnomAD 0.00021 and 0.00020; TOPMed 0.00028; ExAC 0.00006; gnomAD exomes 0.00006 and 0.00010; ESP Exome Variant Server 0.00015; 1000 Genomes Project 30x 0.00016; 1000 Genomes Project 0.00020.
gnomAD v4.1: 121 of 1,614,188 alleles (0.0075%); highest among the groups gnomAD compares: Admixed American, 0.057%; no homozygotes.

Submissions 1 to 19 of 21:

Evidence-based Network for the Interpretation of Germline Mutant Alleles (ENIGMA)
Classification: Benign for Breast-ovarian cancer, familial 1. Last evaluated: 2015-08-10. Review status: reviewed by expert panel. Criteria: ENIGMA BRCA1/2 Classification Criteria (2015). Collection method: curation. Allele origin: germline.
Comment: IARC class based on posterior probability from multifactorial likelihood analysis, thresholds for class as per Plon et al. 2008 (PMID: 18951446). Class 1 based on posterior probability = 0.0000374

Labcorp Genetics (formerly Invitae), Labcorp
Classification: Benign for Hereditary breast ovarian cancer syndrome. Last evaluated: 2026-02-03. Review status: criteria provided, single submitter. Criteria: Invitae Variant Classification Sherloc (09022015). Collection method: clinical testing. Allele origin: germline. Not counted in ClinVar's aggregate classification.

Mayo Clinic Laboratories, Mayo Clinic
Classification: Benign. Last evaluated: 2025-03-21. Review status: criteria provided, single submitter. Criteria: ACMG Guidelines, 2015. Collection method: clinical testing. Allele origin: germline. Observed: 2 variant alleles. Not counted in ClinVar's aggregate classification.
Comment: BS1, BS3, BP4

Blueprint Genetics
Classification: Likely benign. Last evaluated: 2024-11-19. Review status: criteria provided, single submitter. Criteria: ACMG Guidelines, 2015. Collection method: clinical testing. Allele origin: germline. Not counted in ClinVar's aggregate classification.

CeGaT Center for Human Genetics Tuebingen
Classification: Likely benign. Last evaluated: 2024-11-01. Review status: criteria provided, single submitter. Criteria: CeGaT Center For Human Genetics Tuebingen Variant Classification Criteria Version 2. Collection method: clinical testing. Allele origin: germline. Affected: yes. Observed: 2 variant alleles. Not counted in ClinVar's aggregate classification.
Comment: BRCA1: BP1

Quest Diagnostics Nichols Institute San Juan Capistrano
Classification: Benign. Last evaluated: 2022-12-03. Review status: criteria provided, single submitter. Criteria: Quest Diagnostics criteria. Collection method: clinical testing. Allele origin: unknown. Not counted in ClinVar's aggregate classification.

Genetics Program, Instituto Nacional de Cancer
Classification: Likely benign for Hereditary breast ovarian cancer syndrome. Last evaluated: 2021-11-01. Review status: criteria provided, single submitter. Criteria: ACMG Guidelines, 2015. Collection method: research. Allele origin: germline. Affected: yes. Not counted in ClinVar's aggregate classification.

Sema4
Classification: Likely benign for Hereditary cancer-predisposing syndrome. Last evaluated: 2021-03-27. Review status: criteria provided, single submitter. Criteria: Sema4 Curation Guidelines. Collection method: curation. Allele origin: germline. Not counted in ClinVar's aggregate classification.

Laboratory for Molecular Medicine, Mass General Brigham Personalized Medicine
Classification: Likely benign. Last evaluated: 2020-08-10. Review status: criteria provided, single submitter. Criteria: ACMG Guidelines, 2015. Collection method: clinical testing. Allele origin: germline. Not counted in ClinVar's aggregate classification.
Comment: The p.Cys675X variant in BRCA1 is classified as likely benign because it has been identified in 0.048% (5/10370) of Ashkenazi Jewish and 0.047% (17/35440) of Latino chromosomes by gnomAD. Additionally, variant is present as nonsense variant in 1 of 6 transcripts (not major transcript), while resulting in a missense variant in the remaining 5 transcripts. This variant was classified as Benign on August 10, 2015 by the ClinGen-approved Evidence-based Network for the Interpretation of Germline Mutant Alleles (ENIGMA) expert panel (Variation ID 55568). ACMG/AMP Criteria applied: BS1.

GeneDx
Classification: Likely benign. Last evaluated: 2020-07-27. Review status: criteria provided, single submitter. Criteria: GeneDx Variant Classification Process June 2021. Collection method: clinical testing. Allele origin: germline. Affected: yes. Not counted in ClinVar's aggregate classification.
Comment: This variant is associated with the following publications: (PMID: 24916970, 21990134, 12014998, 28758972, 17924331, 24728327, 15350310, 17308087, 15172985, 12955716, 16528612, 19770520, 20516115, 22753008, 14534301, 17305420, 21447777, 22505045, 21520273, 25637381, 25782689, 23867111, 27272900, 26764160, 26332594, 28781887, 30209399, 30765603, 26689913)

Mendelics
Classification: Likely benign for Breast-ovarian cancer, familial, susceptibility to, 1. Last evaluated: 2019-05-28. Review status: criteria provided, single submitter. Criteria: Mendelics Assertion Criteria 2017. Collection method: clinical testing. Allele origin: unknown. Not counted in ClinVar's aggregate classification.

Department of Pathology and Laboratory Medicine, Sinai Health System
Classification: Likely benign for Familial cancer of breast; Breast-ovarian cancer, familial, susceptibility to, 1; Fanconi anemia, complementation group S. Last evaluated: 2019-04-01. Review status: criteria provided, single submitter. Criteria: ACMG Guidelines, 2015. Collection method: research. Allele origin: germline. Not counted in ClinVar's aggregate classification.

PreventionGenetics, part of Exact Sciences
Classification: Likely benign. Last evaluated: 2017-01-17. Review status: criteria provided, single submitter. Criteria: ACMG Guidelines, 2015. Collection method: clinical testing. Allele origin: germline. Not counted in ClinVar's aggregate classification.

Color Diagnostics, LLC DBA Color Health
Classification: Likely benign for Hereditary cancer-predisposing syndrome. Last evaluated: 2015-04-02. Review status: criteria provided, single submitter. Criteria: ACMG Guidelines, 2015. Collection method: clinical testing. Allele origin: germline. Not counted in ClinVar's aggregate classification.

Ambry Genetics
Classification: Benign for Hereditary cancer-predisposing syndrome. Last evaluated: 2014-11-18. Review status: criteria provided, single submitter. Criteria: Ambry Variant Classification Scheme 2023. Collection method: clinical testing. Allele origin: germline. Not counted in ClinVar's aggregate classification.

CSER _CC_NCGL, University of Washington
Classification: Uncertain significance for Ovarian cancer. Last evaluated: 2014-06-01. Review status: criteria provided, single submitter. Criteria: Amendola et al. (Genome Res. 2015). Collection method: research. Allele origin: germline. Inheritance: Autosomal dominant inheritance. Study: ESP 6500 variant annotation. Not counted in ClinVar's aggregate classification.
Comment: Low GERP score may suggest that this variant may belong in a lower pathogenicity class

Variants classified for the Actionable exomic incidental findings in 6503 participants: challenges of variant classification manuscript

ITMI
No classification provided. Condition: AllHighlyPenetrant. Last evaluated: 2013-09-19. Review status: no classification provided. Collection method: reference population. Allele origin: germline. Not counted in ClinVar's aggregate classification.
Comment: Please see associated publication for description of ethnicities

Sharing Clinical Reports Project (SCRP)
Classification: Benign for Breast-ovarian cancer, familial 1. Last evaluated: 2011-03-01. Review status: no assertion criteria provided. Collection method: clinical testing. Allele origin: germline. Not counted in ClinVar's aggregate classification.

Breast Cancer Information Core (BIC) (BRCA1)
Classification: Uncertain significance for Breast-ovarian cancer, familial 1. Last evaluated: 2002-05-29. Review status: no assertion criteria provided. Collection method: clinical testing. Allele origin: germline, unknown. Affected: yes. Observed: 14 variant alleles. Not counted in ClinVar's aggregate classification.

NM_007294.4(BRCA1):c.5411T>A (p.Val1804Asp)

Gene: BRCA1 (BRCA1 DNA repair associated; minus strand). Cytogenetic location: 17q21.31.
Variant type: single nucleotide variant.
Coding change: c.5411T>A on transcript NM_007294.4 (MANE Select); coding-DNA position 5411, T replaced by A.
Protein change: p.Val1804Asp; replaces valine 1804 with aspartic acid.
Molecular consequence: missense variant. On other transcripts: nonsense (17), non-coding transcript variant (1).
Genome position (GRCh38, 1-based): chr17:43,047,699, A>T on the plus strand (T>A on the coding strand, the complement: BRCA1 is on the minus strand). VCF-style: chr17-43047699-A-T. GRCh37 (hg19) VCF-style: chr17-41199716-A-T.
Other names: p.V1804D:GTC>GAC; 5530T>A; c.5075T>A, p.Val1692Asp (NM_001407955.1, NM_001407950.1, NM_001407951.1 and 3 more transcripts); c.5072T>A, p.Val1691Asp (NM_001407956.1, NM_001407957.1, NM_001407958.1); c.2804T>A, p.Val935Asp (NM_001407969.1); c.2168T>A, p.Val723Asp (NM_001407970.1, NM_001407971.1); c.2165T>A, p.Val722Asp (NM_001407972.1); c.2102T>A, p.Val701Asp (NM_001407973.1, NM_001407974.1, NM_001407975.1 and 3 more transcripts); and 85 more; short protein forms V1804D, C675*, V1757D, V1825D, V700D, C1779*, V1676D, V1716D.
Identifiers: ClinVar variation 55568 (VCV000055568.79), dbSNP rs80356920, ClinGen allele CA003575.